The following is an entry in ClinVar:

NM_000016.6(ACADM):c.219T>A (p.Tyr73Ter)

Gene: ACADM (acyl-CoA dehydrogenase medium chain; plus strand). Cytogenetic location: 1p31.1.
Variant type: single nucleotide variant.
Coding change: c.219T>A on transcript NM_000016.6 (MANE Select); coding-DNA position 219, T replaced by A.
Protein change: p.Tyr73Ter; replaces tyrosine 73 with a stop codon.
Molecular consequence: nonsense. On other transcripts: 5 prime UTR variant (1).
Genome position (GRCh38, 1-based): chr1:75,732,855, T>A. VCF-style: chr1-75732855-T-A. GRCh37 (hg19) VCF-style: chr1-76198540-T-A.
Other names: c.231T>A, p.Tyr77Ter (NM_001127328.3); c.111T>A, p.Tyr37Ter (NM_001286042.2); c.219T>A, p.Tyr73Ter (NM_001286043.2); c.-167T>A (NM_001286044.2); short protein forms Y37*, Y73*, Y77*.
Identifiers: ClinVar variation 5010363 (VCV005010363.1).
Genomic context (GRCh38, chr1:75,732,855, plus strand): 5'-ATGTAATCAAACTATCTGGATTTCAAAATATATTTTAACTCAGTTCTTTTTCTTCTAGTA[T>A]CCAGTCCCCCTAATTAGAAGAGCCTGGGAACTTGGTTTAATGAACACACACATTCCAGAG-3'

ClinVar aggregate classification (germline): Pathogenic (1 of 4 stars; one submission).

Conditions:
Medium-chain acyl-coenzyme A dehydrogenase deficiency (ACADMD). Also called: ACADM DEFICIENCY; CARNITINE DEFICIENCY SECONDARY TO MEDIUM-CHAIN ACYL-CoA DEHYDROGENASE DEFICIENCY; MCADH DEFICIENCY; MCADD; Medium chain acyl-CoA dehydrogenase deficiency; MCAD Deficiency. Identifiers: Orphanet 42, MedGen C0220710, MONDO:0008721, OMIM 201450.

Submission:

Myriad Genetics, Inc.
Classification: Pathogenic for Medium-chain acyl-coenzyme A dehydrogenase deficiency. Last evaluated: 2025-08-13. Review status: criteria provided, single submitter. Criteria: Myriad Autosomal Dominant, Autosomal Recessive and X-Linked Classification Criteria (2023). Collection method: clinical testing. Allele origin: unknown.
Comment: NM_000016.4(ACADM):c.219T>A(Y73*) is expected to be pathogenic in the context of medium-chain acyl-CoA dehydrogenase deficiency. This variant is predicted to lead to an abnormal or absent protein product due to the creation of a premature termination codon in ACADM, a gene where loss-of-function variants are known to be pathogenic. Please note: this variant was assessed in the context of healthy population screening.